The following is an entry in ClinVar:

ClinVar aggregate classification (germline): Pathogenic (1 of 4 stars; one submission).

Conditions:
Microcephaly, normal intelligence and immunodeficiency (NBS). Also called: IMMUNODEFICIENCY, MICROCEPHALY, AND CHROMOSOMAL INSTABILITY; SEEMANOVA SYNDROME II; Nijmegen breakage syndrome; Microcephaly with normal intelligence immunodeficiency and lymphoreticular malignancies; Nonsyndromal microcephaly autosomal recessive with normal intelligence; Seemanova syndrome 2. Identifiers: Orphanet 647, MedGen C0398791, MONDO:0009623, OMIM 251260.

Submission:

Myriad Genetics, Inc.
Classification: Pathogenic for Microcephaly, normal intelligence and immunodeficiency. Last evaluated: 2023-09-27. Review status: criteria provided, single submitter. Criteria: Myriad Autosomal Dominant, Autosomal Recessive and X-Linked Classification Criteria (2023). Collection method: clinical testing. Allele origin: unknown.
Comment: NM_002485.4(NBN):c.18dupC(A7Rfs*17) is expected to be pathogenic in the context of Nijmegen breakage syndrome. This variant is predicted to lead to an abnormal or absent protein product due to the creation of a premature termination codon in NBN, a gene where loss-of-function variants are known to be pathogenic. Please note: this variant was assessed in the context of healthy population screening.

NM_002485.5(NBN):c.18dup (p.Ala7fs)

Gene: NBN (nibrin; minus strand). Cytogenetic location: 8q21.3.
Variant type: Duplication.
Coding change: c.18dup on transcript NM_002485.5 (MANE Select); coding-DNA position 18, one base duplicated (C; older notation c.18dupC).
Protein change: p.Ala7fs; shifts the reading frame from alanine 7.
Molecular consequence: frameshift variant. On other transcripts: 5 prime UTR variant (1).
Genome position (GRCh38, 1-based): chr8:89,984,544, G duplicated on the plus strand (C on the coding strand, the reverse complement: NBN is on the minus strand); the first of 3 consecutive G bases (chr8:89,984,544-89,984,546); duplicating any one gives the same sequence. VCF-style (leftmost placement, unchanged base first): chr8-89984543-C-CG. GRCh37 (hg19) VCF-style: chr8-90996771-C-CG.
Other names: c.-279dup (NM_001024688.3); short protein forms A7fs.
Identifiers: ClinVar variation 5012059 (VCV005012059.1).